The following is an entry in ClinVar:

ClinVar aggregate classification (germline): Uncertain significance (1 of 4 stars; one submission).

Submission:

Labcorp Genetics (formerly Invitae), Labcorp
Classification: Uncertain significance. Last evaluated: 2021-12-25. Review status: criteria provided, single submitter. Criteria: Invitae Variant Classification Sherloc (09022015). Collection method: clinical testing. Allele origin: germline.
Comment: This sequence change replaces glutamic acid, which is acidic and polar, with lysine, which is basic and polar, at codon 527 of the COL9A3 protein (p.Glu527Lys). This variant is not present in population databases (gnomAD no frequency). This variant has not been reported in the literature in individuals affected with COL9A3-related conditions. Advanced modeling of protein sequence and biophysical properties (such as structural, functional, and spatial information, amino acid conservation, physicochemical variation, residue mobility, and thermodynamic stability) performed at Invitae indicates that this missense variant is not expected to disrupt COL9A3 protein function. In summary, the available evidence is currently insufficient to determine the role of this variant in disease. Therefore, it has been classified as a Variant of Uncertain Significance.

NM_001853.4(COL9A3):c.1579G>A (p.Glu527Lys)

Genes: COL9A3 (collagen type IX alpha 3 chain; plus strand), LOC126863084 (MED14-independent group 3 enhancer GRCh37_chr20:61467141-61468340; plus strand). Cytogenetic location: 20q13.33.
Variant type: single nucleotide variant.
Coding change: c.1579G>A on transcript NM_001853.4 (MANE Select); coding-DNA position 1579, G replaced by A.
Protein change: p.Glu527Lys; replaces glutamic acid 527 with lysine.
Molecular consequence: missense variant.
Genome position (GRCh38, 1-based): chr20:62,836,508, G>A. VCF-style: chr20-62836508-G-A. GRCh37 (hg19) VCF-style: chr20-61467860-G-A.
Other names: short protein forms E527K.
Identifiers: ClinVar variation 1523452 (VCV001523452.6), dbSNP rs2147228204, ClinGen allele CA409598609.